The following is an entry in ClinVar:

NM_006269.2(RP1):c.5461A>G (p.Met1821Val)

Genes: RP1 (RP1 axonemal microtubule associated; plus strand), LOC126860392 (CDK7 strongly-dependent group 2 enhancer GRCh37_chr8:55541319-55542518; plus strand). Cytogenetic location: 8q12.1.
Variant type: single nucleotide variant.
Coding change: c.5461A>G on transcript NM_006269.2 (MANE Select); coding-DNA position 5461, A replaced by G.
Protein change: p.Met1821Val; replaces methionine 1821 with valine.
Molecular consequence: missense variant. On other transcripts: intron variant (1).
Genome position (GRCh38, 1-based): chr8:54,629,343, A>G. VCF-style: chr8-54629343-A-G. GRCh37 (hg19) VCF-style: chr8-55541903-A-G.
Other names: c.787+7055A>G (NM_001375654.1); short protein forms M1821V.
Identifiers: ClinVar variation 1058347 (VCV001058347.9), dbSNP rs986935075, ClinGen allele CA177183643.

ClinVar aggregate classification (germline): Uncertain significance (1 of 4 stars; one submission).

Allele frequency attached by ClinVar (database versions not stated): TOPMed below 0.00001; gnomAD 0.00001; gnomAD exomes 0.00001.

Submission:

Labcorp Genetics (formerly Invitae), Labcorp
Classification: Uncertain significance. Last evaluated: 2023-09-03. Review status: criteria provided, single submitter. Criteria: Invitae Variant Classification Sherloc (09022015). Collection method: clinical testing. Allele origin: germline.
Comment: In summary, the available evidence is currently insufficient to determine the role of this variant in disease. Therefore, it has been classified as a Variant of Uncertain Significance. Algorithms developed to predict the effect of missense changes on protein structure and function output the following: SIFT: "Not Available"; PolyPhen-2: "Benign"; Align-GVGD: "Not Available". The valine amino acid residue is found in multiple mammalian species, which suggests that this missense change does not adversely affect protein function. ClinVar contains an entry for this variant (Variation ID: 1058347). This missense change has been observed in individual(s) with clinical features of retinitis pigmentosa (Invitae). This variant is not present in population databases (gnomAD no frequency). This sequence change replaces methionine, which is neutral and non-polar, with valine, which is neutral and non-polar, at codon 1821 of the RP1 protein (p.Met1821Val).